The following is an entry in ClinVar:

ClinVar aggregate classification (germline): Conflicting classifications of pathogenicity. Review status: criteria provided, conflicting classifications (1 of 4 stars). 5 submissions from 5 submitters: Uncertain significance (4); Likely benign (1). Last evaluated 2026-10-01.

Conditions:
Hereditary cancer-predisposing syndrome. Also called: Hereditary neoplastic syndrome; Tumor predisposition; Neoplastic Syndromes, Hereditary; Hereditary Cancer Syndrome. Identifiers: Orphanet 140162, MedGen C0027672, MeSH D009386, MONDO:0015356.
Familial cancer of breast. Also called: hereditary breast carcinoma; Hereditary breast cancer; BREAST CANCER, FAMILIAL. Identifiers: Orphanet 227535, MedGen C0346153, MONDO:0016419, OMIM 114480. Disease mechanism: loss of function.

gnomAD v4.1: 7 of 1,614,130 alleles (0.00043%); highest among the groups gnomAD compares: Non-Finnish European, 0.00059%; no homozygotes.

Submissions (5):

St. Jude Molecular Pathology, St. Jude Children's Research Hospital
Classification: Uncertain significance for Familial cancer of breast. Last evaluated: 2026-10-01. Review status: criteria provided, single submitter. Criteria: St. Jude Assertion Criteria 2020. Collection method: clinical testing. Allele origin: germline.
Comment: The PALB2 c.3474T>A p.(His1158Gln) missense change is absent in gnomAD v2.1.1. The in silico tool REVEL predicts a benign effect on protein function, but to our knowledge this prediction has not been confirmed by func tional studies. To our knowledge, this variant has not been reported as pathogenic in individuals with PALB2-associated conditions. In summary, the evidence currently available is insufficient to determine the clinical significance of this variant. It ha s therefore been classified as of uncertain significance (VUS-Low).

Labcorp Genetics (formerly Invitae), Labcorp
Classification: Uncertain significance for Familial cancer of breast. Last evaluated: 2025-11-04. Review status: criteria provided, single submitter. Criteria: Invitae Variant Classification Sherloc (09022015). Collection method: clinical testing. Allele origin: germline.
Comment: This sequence change replaces histidine, which is basic and polar, with glutamine, which is neutral and polar, at codon 1158 of the PALB2 protein (p.His1158Gln). This variant is not present in population databases (gnomAD no frequency). This variant has not been reported in the literature in individuals affected with PALB2-related conditions. ClinVar contains an entry for this variant (Variation ID: 182777). An algorithm developed to predict the effect of missense changes on protein structure and function (PolyPhen-2) suggests that this variant is likely to be tolerated. In summary, the available evidence is currently insufficient to determine the role of this variant in disease. Therefore, it has been classified as a Variant of Uncertain Significance.

Ambry Genetics
Classification: Likely benign for Hereditary cancer-predisposing syndrome. Last evaluated: 2025-09-16. Review status: criteria provided, single submitter. Criteria: Ambry Variant Classification Scheme 2023. Collection method: clinical testing. Allele origin: germline.

GeneDx
Classification: Uncertain significance. Last evaluated: 2021-10-25. Review status: criteria provided, single submitter. Criteria: GeneDx Variant Classification Process June 2021. Collection method: clinical testing. Allele origin: germline. Affected: yes.
Comment: Not observed at significant frequency in large population cohorts (Lek et al., 2016); In silico analysis supports that this missense variant does not alter protein structure/function; Has not been previously published as pathogenic or benign to our knowledge; This variant is associated with the following publications: (PMID: 20871615, 19609323, 24485656)

Color Diagnostics, LLC DBA Color Health
Classification: Uncertain significance for Hereditary cancer-predisposing syndrome. Last evaluated: 2019-04-09. Review status: criteria provided, single submitter. Criteria: ACMG Guidelines, 2015. Collection method: clinical testing. Allele origin: germline.

NM_024675.4(PALB2):c.3474T>A (p.His1158Gln)

Gene: PALB2 (partner and localizer of BRCA2; minus strand). Cytogenetic location: 16p12.2.
Variant type: single nucleotide variant.
Coding change: c.3474T>A on transcript NM_024675.4 (MANE Select); coding-DNA position 3474, T replaced by A.
Protein change: p.His1158Gln; replaces histidine 1158 with glutamine.
Molecular consequence: missense variant.
Genome position (GRCh38, 1-based): chr16:23,603,546, A>T on the plus strand (T>A on the coding strand, the complement: PALB2 is on the minus strand). VCF-style: chr16-23603546-A-T. GRCh37 (hg19) VCF-style: chr16-23614867-A-T.
Other names: p.H1158Q:CAT>CAA; short protein forms H1158Q.
Identifiers: ClinVar variation 182777 (VCV000182777.24), dbSNP rs730881896, ClinGen allele CA299759.